The following is an entry in ClinVar:

ClinVar aggregate classification (germline): Likely benign. Review status: criteria provided, multiple submitters, no conflicts (2 of 4 stars). 3 submissions from 3 submitters: Likely benign (2). 1 of the submissions does not count toward it. Last evaluated 2025-07-14.

Conditions:
Cardiovascular phenotype. Identifiers: MedGen CN230736.
LCAT-related disorder. Also called: LCAT-related condition.

Allele frequency attached by ClinVar (database versions not stated): TOPMed 0.00002; gnomAD 0.00013.
gnomAD v4.1: 132 of 1,614,204 alleles (0.0082%); highest among the groups gnomAD compares: Non-Finnish European, 0.003%; no homozygotes.

Submissions (3):

Labcorp Genetics (formerly Invitae), Labcorp
Classification: Likely benign. Last evaluated: 2025-07-14. Review status: criteria provided, single submitter. Criteria: Invitae Variant Classification Sherloc (09022015). Collection method: clinical testing. Allele origin: germline.

Ambry Genetics
Classification: Likely benign for Cardiovascular phenotype. Last evaluated: 2022-03-22. Review status: criteria provided, single submitter. Criteria: Ambry Variant Classification Scheme 2023. Collection method: clinical testing. Allele origin: germline.

PreventionGenetics, part of Exact Sciences
Classification: Likely benign for LCAT-related condition. Last evaluated: 2019-03-12. Review status: no assertion criteria provided. Collection method: clinical testing. Allele origin: germline. Not counted in ClinVar's aggregate classification.
Comment: This variant is classified as likely benign based on ACMG/AMP sequence variant interpretation guidelines (Richards et al. 2015 PMID: 25741868, with internal and published modifications).

NM_000229.2(LCAT):c.903C>T (p.Asp301=)

Gene: LCAT (lecithin-cholesterol acyltransferase; minus strand). Cytogenetic location: 16q22.1.
Variant type: single nucleotide variant.
Coding change: c.903C>T on transcript NM_000229.2 (MANE Select); coding-DNA position 903, C replaced by T.
Protein change: p.Asp301=; no amino-acid change (aspartic acid 301 retained).
Molecular consequence: synonymous variant.
Genome position (GRCh38, 1-based): chr16:67,940,324, G>A on the plus strand (C>T on the coding strand, the complement: LCAT is on the minus strand). VCF-style: chr16-67940324-G-A. GRCh37 (hg19) VCF-style: chr16-67974227-G-A.
Identifiers: ClinVar variation 1765562 (VCV001765562.7), dbSNP rs780635568, ClinGen allele CA8120934.